The following is an entry in ClinVar:

ClinVar aggregate classification (germline): Benign. Review status: criteria provided, multiple submitters, no conflicts (2 of 4 stars). 4 submissions from 3 submitters: Benign (4). Last evaluated 2018-06-25.

Conditions:
Optic atrophy 3 (OPA3). Also called: OPTIC ATROPHY 3, AUTOSOMAL DOMINANT; Optic atrophy, cataract, and neurologic disorder; Optic atrophy 3 with cataract. Identifiers: Orphanet 67036, MedGen C1833809, MONDO:0008133, OMIM 165300.
3-Methylglutaconic aciduria type 3 (MGCA3). Also called: OPA3, AUTOSOMAL RECESSIVE; OPTIC ATROPHY 3, AUTOSOMAL RECESSIVE; Costeff Syndrome; OPA3-Related 3-Methylglutaconic Aciduria. Identifiers: Orphanet 67047, MedGen C0574084, MONDO:0009787, OMIM 258501.

Allele frequency attached by ClinVar (database versions not stated): gnomAD exomes 0.00452; TOPMed 0.05812; 1000 Genomes Project 0.06190; 1000 Genomes Project 30x 0.06293; gnomAD 0.05182 and 0.05540.
gnomAD v4.1: 13,801 of 1,409,018 alleles (0.98%); highest among the groups gnomAD compares: African/African-American, 18%; 1,133 homozygotes.

Submissions (4):

GeneDx
Classification: Benign. Last evaluated: 2018-06-25. Review status: criteria provided, single submitter. Criteria: GeneDx Variant Classification Process June 2021. Collection method: clinical testing. Allele origin: germline. Affected: yes.

Illumina Laboratory Services, Illumina
Classification: Benign for Optic atrophy 3. Last evaluated: 2018-01-13. Review status: criteria provided, single submitter. Criteria: ICSL Variant Classification Criteria 13 December 2019. Collection method: clinical testing. Allele origin: germline.
Comment: This variant was observed in the ICSL laboratory as part of a predisposition screen in an ostensibly healthy population. It had not been previously curated by ICSL or reported in the Human Gene Mutation Database (HGMD: prior to June 1st, 2018), and was therefore a candidate for classification through an automated scoring system. Utilizing variant allele frequency, disease prevalence and penetrance estimates, and inheritance mode, an automated score was calculated to assess if this variant is too frequent to cause the disease. Based on the score and internal cut-off values, a variant classified as benign is not then subjected to further curation. The score for this variant resulted in a classification of benign for this disease.

Illumina Laboratory Services, Illumina
Classification: Benign for 3-Methylglutaconic aciduria type 3. Last evaluated: 2018-01-13. Review status: criteria provided, single submitter. Criteria: ICSL Variant Classification Criteria 13 December 2019. Collection method: clinical testing. Allele origin: germline.
Comment: the same text as in the submission from Illumina Laboratory Services, Illumina above.

Breakthrough Genomics
Classification: Benign. Review status: criteria provided, single submitter. Criteria: ACMG Guidelines, 2015. Collection method: not provided. Allele origin: germline. Inheritance: Autosomal recessive inheritance. Affected: yes.

NM_025136.4(OPA3):c.*272G>A

Genes: OPA3 (outer mitochondrial membrane lipid metabolism regulator OPA3; minus strand), OPA3-RTN2 (OPA3-RTN2 readthrough; minus strand). Cytogenetic location: 19q13.32.
Variant type: single nucleotide variant.
Coding change: c.*272G>A on transcript NM_025136.4 (MANE Select); 272 bases downstream of the stop codon, G replaced by A.
Molecular consequence: 3 prime UTR variant. On other transcripts: intron variant (1).
Genome position (GRCh38, 1-based): chr19:45,553,242, C>T on the plus strand (G>A on the coding strand, the complement: OPA3 is on the minus strand). VCF-style: chr19-45553242-C-T. GRCh37 (hg19) VCF-style: chr19-46056500-C-T.
Other names: c.143-23786G>A (NM_001017989.3).
Identifiers: ClinVar variation 329681 (VCV000329681.7), dbSNP rs7246349, ClinGen allele CA10652150.